The following is an entry in ClinVar:

NM_016239.4(MYO15A):c.2492_2520dup (p.Pro841fs)

Gene: MYO15A (myosin XVA; plus strand). Cytogenetic location: 17p11.2.
Variant type: Duplication.
Coding change: c.2492_2520dup on transcript NM_016239.4 (MANE Select); coding-DNA positions 2492 to 2520, 29 bases duplicated (GGCGCCTGGGCCCACCCGGCTCGCCGCTG).
Protein change: p.Pro841fs; shifts the reading frame from proline 841.
Molecular consequence: frameshift variant.
Genome position (GRCh38, 1-based): chr17:18,121,292-18,121,320, GGCGCCTGGGCCCACCCGGCTCGCCGCTG duplicated; duplicating any 29 consecutive bases within chr17:18,121,285-18,121,320 gives the same sequence; the c. name uses the placement nearest the transcript's 3' end. VCF-style (leftmost placement, unchanged base first): chr17-18121284-A-AGCCGCTGGGCGCCTGGGCCCACCCGGCTC. GRCh37 (hg19) VCF-style: chr17-18024598-A-AGCCGCTGGGCGCCTGGGCCCACCCGGCTC.
Other names: short protein forms P841fs.
Identifiers: ClinVar variation 3008100 (VCV003008100.16), dbSNP rs2545187885, ClinGen allele CA2636438382.

ClinVar aggregate classification (germline): Pathogenic. Review status: criteria provided, multiple submitters, no conflicts (2 of 4 stars). 2 submissions from 2 submitters: Pathogenic (2). Last evaluated 2025-01-01.

Submissions (2):

CeGaT Center for Human Genetics Tuebingen
Classification: Pathogenic. Last evaluated: 2025-01-01. Review status: criteria provided, single submitter. Criteria: CeGaT Center For Human Genetics Tuebingen Variant Classification Criteria Version 2. Collection method: clinical testing. Allele origin: germline. Affected: yes. Observed: 1 variant allele.
Comment: MYO15A: PVS1, PM2, PM3

Labcorp Genetics (formerly Invitae), Labcorp
Classification: Pathogenic. Last evaluated: 2023-01-28. Review status: criteria provided, single submitter. Criteria: Invitae Variant Classification Sherloc (09022015). Collection method: clinical testing. Allele origin: germline.
Comment: This sequence change creates a premature translational stop signal (p.Pro841Glyfs*32) in the MYO15A gene. It is expected to result in an absent or disrupted protein product. Loss-of-function variants in MYO15A are known to be pathogenic (PMID: 17546645). This variant is not present in population databases (gnomAD no frequency). This variant has not been reported in the literature in individuals affected with MYO15A-related conditions. For these reasons, this variant has been classified as Pathogenic.

Literature cited by the submitters: PubMed 17546645 (cited by Labcorp Genetics (formerly Invitae), Labcorp).